The following is an entry in ClinVar:

ClinVar aggregate classification (germline): Benign/Likely benign. Review status: criteria provided, multiple submitters, no conflicts (2 of 4 stars). 7 submissions from 7 submitters: Benign (1); Likely benign (5). 1 of the submissions does not count toward it. Last evaluated 2026-01-17.

Conditions:
Hereditary cancer-predisposing syndrome. Also called: Tumor predisposition; Hereditary Cancer Syndrome; Hereditary neoplastic syndrome; Neoplastic Syndromes, Hereditary. Identifiers: Orphanet 140162, MedGen C0027672, MeSH D009386, MONDO:0015356.
Familial cancer of breast. Also called: BREAST CANCER, FAMILIAL; hereditary breast carcinoma; Hereditary breast cancer. Identifiers: Orphanet 227535, MedGen C0346153, MONDO:0016419, OMIM 114480. Disease mechanism: loss of function.
Ataxia-telangiectasia syndrome (AT). Also called: LOUIS-BAR SYNDROME; Cerebello-oculocutaneous telangiectasia; Immunodeficiency with ataxia telangiectasia; ATAXIA-TELANGIECTASIA, COMPLEMENTATION GROUP A; ATAXIA-TELANGIECTASIA, FRESNO VARIANT; Ataxia-telangiectasia. Identifiers: Orphanet 100, MedGen C0004135, MONDO:0008840, OMIM 208900.

Allele frequency attached by ClinVar (database versions not stated): gnomAD exomes below 0.00001; ExAC 0.00001; gnomAD 0.00001; TOPMed 0.00001.
gnomAD v4.1: 16 of 1,613,168 alleles (0.00099%); highest among the groups gnomAD compares: Non-Finnish European, 0.0014%; no homozygotes.

Submissions (7):

Labcorp Genetics (formerly Invitae), Labcorp
Classification: Likely benign for Ataxia-telangiectasia syndrome. Last evaluated: 2026-01-17. Review status: criteria provided, single submitter. Criteria: Invitae Variant Classification Sherloc (09022015). Collection method: clinical testing. Allele origin: germline.

Myriad Genetics, Inc.
Classification: Benign for Familial cancer of breast. Last evaluated: 2024-05-16. Review status: criteria provided, single submitter. Criteria: Myriad Autosomal Dominant, Autosomal Recessive and X-Linked Classification Criteria (2023). Collection method: clinical testing. Allele origin: unknown.
Comment: This variant is considered benign. This variant is a silent/synonymous amino acid change and it is not expected to impact splicing.

Women's Health and Genetics/Laboratory Corporation of America, LabCorp
Classification: Likely benign. Last evaluated: 2020-07-22. Review status: criteria provided, single submitter. Criteria: LabCorp Variant Classification Summary - May 2015. Collection method: clinical testing. Allele origin: germline.

GeneDx
Classification: Likely benign. Last evaluated: 2019-03-18. Review status: criteria provided, single submitter. Criteria: GeneDx Variant Classification Process June 2021. Collection method: clinical testing. Allele origin: germline. Affected: yes.
Comment: This variant is associated with the following publications: (PMID: 28779002)

Color Diagnostics, LLC DBA Color Health
Classification: Likely benign for Hereditary cancer-predisposing syndrome. Last evaluated: 2018-03-06. Review status: criteria provided, single submitter. Criteria: ACMG Guidelines, 2015. Collection method: clinical testing. Allele origin: germline.

Ambry Genetics
Classification: Likely benign for Hereditary cancer-predisposing syndrome. Last evaluated: 2016-09-26. Review status: criteria provided, single submitter. Criteria: Ambry Variant Classification Scheme 2023. Collection method: clinical testing. Allele origin: germline.

Counsyl
Classification: Likely benign for Ataxia-telangiectasia syndrome. Last evaluated: 2016-12-23. Review status: no assertion criteria provided. Collection method: clinical testing. Allele origin: unknown. Not counted in ClinVar's aggregate classification.

NM_000051.4(ATM):c.4149G>A (p.Ser1383=)

Gene: ATM (ATM serine/threonine kinase; plus strand). Cytogenetic location: 11q22.3.
Variant type: single nucleotide variant.
Coding change: c.4149G>A on transcript NM_000051.4 (MANE Select); coding-DNA position 4149, G replaced by A.
Protein change: p.Ser1383=; no amino-acid change (serine 1383 retained).
Molecular consequence: synonymous variant.
Genome position (GRCh38, 1-based): chr11:108,289,016, G>A. VCF-style: chr11-108289016-G-A. GRCh37 (hg19) VCF-style: chr11-108159743-G-A.
Other names: c.4149G>A, p.Ser1383= (NM_001351834.2).
Identifiers: ClinVar variation 183939 (VCV000183939.21), dbSNP rs749180334, ClinGen allele CA187047.